The following is an entry in ClinVar:

NM_052867.4(NALCN):c.522G>A (p.Ser174=)

Gene: NALCN (sodium leak channel, non-selective; minus strand). Cytogenetic location: 13q33.1.
Variant type: single nucleotide variant.
Coding change: c.522G>A on transcript NM_052867.4 (MANE Select); coding-DNA position 522, G replaced by A.
Protein change: p.Ser174=; no amino-acid change (serine 174 retained).
Molecular consequence: synonymous variant.
Genome position (GRCh38, 1-based): chr13:101,376,822, C>T on the plus strand (G>A on the coding strand, the complement: NALCN is on the minus strand). VCF-style: chr13-101376822-C-T. GRCh37 (hg19) VCF-style: chr13-102029173-C-T.
Other names: c.522G>A, p.Ser174= (NM_001350748.2, NM_001350749.2, NM_001350750.2 and 1 more transcripts).
Identifiers: ClinVar variation 746431 (VCV000746431.11), dbSNP rs201866988, ClinGen allele CA7036421.
Genomic context (GRCh38, chr13:101,376,822, plus strand): 5'-AATTCCATAAAGAAGTAGAAAGAAAAGTAGAAAAATGGAAACACTCCATATTTGTTCTCC[C>T]GATCGCCTAGAGAAACAAAAGTAGGTAAAGTACATAAAACTTACAAAAAACTTCATAAAC-3'
Protein context (NP_443099.1, residues 164-184): RTRITNILKR[Ser174=]GEQIWSVSIF

ClinVar aggregate classification (germline): Likely benign. Review status: criteria provided, multiple submitters, no conflicts (2 of 4 stars). 3 submissions from 3 submitters: Likely benign (2). 1 of the submissions does not count toward it. Last evaluated 2025-09-27.

Conditions:
NALCN-related disorder. Also called: NALCN-related disorders; NALCN-related condition.

Allele frequency attached by ClinVar (database versions not stated): ExAC 0.00002; gnomAD exomes 0.00003 and 0.00004; gnomAD 0.00004 and 0.00005; TOPMed 0.00007; ESP Exome Variant Server 0.00008; 1000 Genomes Project 0.00020; 1000 Genomes Project 30x 0.00031.
gnomAD v4.1: 47 of 1,612,540 alleles (0.0029%); highest among the groups gnomAD compares: Admixed American, 0.015%; no homozygotes.

Submissions (3):

Labcorp Genetics (formerly Invitae), Labcorp
Classification: Likely benign. Last evaluated: 2025-09-27. Review status: criteria provided, single submitter. Criteria: Invitae Variant Classification Sherloc (09022015). Collection method: clinical testing. Allele origin: germline.

GeneDx
Classification: Likely benign. Last evaluated: 2021-01-25. Review status: criteria provided, single submitter. Criteria: GeneDx Variant Classification Process June 2021. Collection method: clinical testing. Allele origin: germline. Affected: yes.

PreventionGenetics, part of Exact Sciences
Classification: Likely benign for NALCN-related condition. Last evaluated: 2019-05-24. Review status: no assertion criteria provided. Collection method: clinical testing. Allele origin: germline. Not counted in ClinVar's aggregate classification.
Comment: This variant is classified as likely benign based on ACMG/AMP sequence variant interpretation guidelines (Richards et al. 2015 PMID: 25741868, with internal and published modifications).